The following is an entry in ClinVar:

ClinVar aggregate classification (germline): Uncertain significance. Review status: criteria provided, multiple submitters, no conflicts (2 of 4 stars). 7 submissions from 7 submitters: Uncertain significance (6). 1 of the submissions does not count toward it. Last evaluated 2025-06-13.

Conditions:
Cardiovascular phenotype. Identifiers: MedGen CN230736.
Arrhythmogenic right ventricular cardiomyopathy (ARVD). Also called: Cardiomyopathy, ARVC; Arrhythmogenic right ventricular dysplasia; Arrhythmogenic cardiomyopathy; Arrhythmogenic Right Ventricular Cardiomyopathy (ARVC). Identifiers: Orphanet 247, MedGen C0349788, MeSH D019571, MONDO:0016587. Disease mechanism: loss of function. Inheritance: Various modes of inheritance.
Cardiomyopathy (CMYO). Also called: Cardiomyopathies. Identifiers: Orphanet 167848, MedGen C0878544, MONDO:0004994, HP:0001638. Inheritance: Various modes of inheritance.
Arrhythmogenic right ventricular dysplasia 9 (ARVD9). Also called: Arrhythmogenic Right Ventricular Dysplasia/Cardiomyopathy 9; ARRHYTHMOGENIC RIGHT VENTRICULAR DYSPLASIA, FAMILIAL, 9. Identifiers: MedGen C1836906, MONDO:0012180, OMIM 609040.

Allele frequency attached by ClinVar (database versions not stated): 1000 Genomes Project 30x 0.00016; TOPMed 0.00003.
gnomAD v4.1: 34 of 1,614,134 alleles (0.0021%); highest among the groups gnomAD compares: East Asian, 0.031%; no homozygotes.

Submissions (7):

Ambry Genetics
Classification: Uncertain significance for Cardiovascular phenotype. Last evaluated: 2025-06-13. Review status: criteria provided, single submitter. Criteria: Ambry Variant Classification Scheme 2023. Collection method: clinical testing. Allele origin: germline.
Comment: The p.G322S variant (also known as c.964G>A), located in coding exon 3 of the PKP2 gene, results from a G to A substitution at nucleotide position 964. The glycine at codon 322 is replaced by serine, an amino acid with similar properties. This amino acid position is well conserved in available vertebrate species. In addition, this alteration is predicted to be tolerated by in silico analysis. Based on the available evidence, the clinical significance of this variant remains unclear.

All of Us Research Program, National Institutes of Health
Classification: Uncertain significance for Arrhythmogenic right ventricular cardiomyopathy. Last evaluated: 2024-09-23. Review status: criteria provided, single submitter. Criteria: ACMG Guidelines, 2015. Collection method: clinical testing. Allele origin: germline. Inheritance: Autosomal dominant inheritance. Observed: 3 variant alleles, 3 heterozygotes.
Comment: This missense variant replaces glycine with serine at codon 322 of the PKP2 protein. Computational prediction suggests that this variant may not impact protein structure and function (internally defined REVEL score threshold <= 0.5, PMID: 27666373). To our knowledge, functional studies have not been reported for this variant. This variant has not been reported in individuals affected with cardiovascular disorders in the literature. This variant has been identified in 9/281928 chromosomes in the general population by the Genome Aggregation Database (gnomAD). The available evidence is insufficient to determine the role of this variant in disease conclusively. Therefore, this variant is classified as a Variant of Uncertain Significance.

This study involves interpretation of variants in research participants for the purpose of population health screening. Participant phenotype was not available at the time of variant classification. Additional details can be found in publication PMID: 35346344, PMCID: PMC8962531

Color Diagnostics, LLC DBA Color Health
Classification: Uncertain significance for Cardiomyopathy. Last evaluated: 2023-11-27. Review status: criteria provided, single submitter. Criteria: ACMG Guidelines, 2015. Collection method: clinical testing. Allele origin: germline.
Comment: This missense variant replaces glycine with serine at codon 322 of the PKP2 protein. Computational prediction suggests that this variant may not impact protein structure and function (internally defined REVEL score threshold <= 0.5, PMID: 27666373). To our knowledge, functional studies have not been reported for this variant. This variant has not been reported in individuals affected with PKP2-related disorders in the literature. This variant has been identified in 9/281928 chromosomes in the general population by the Genome Aggregation Database (gnomAD). The available evidence is insufficient to determine the role of this variant in disease conclusively. Therefore, this variant is classified as a Variant of Uncertain Significance.

Victorian Clinical Genetics Services, Murdoch Childrens Research Institute
Classification: Uncertain significance for Arrhythmogenic right ventricular dysplasia 9. Last evaluated: 2022-06-24. Review status: criteria provided, single submitter. Criteria: ACMG Guidelines, 2015. Collection method: clinical testing. Allele origin: germline. Inheritance: Autosomal dominant inheritance. Affected: yes.
Comment: Based on the classification scheme VCGS_Germline_v1.3.4, this variant is classified as VUS-3C. Following criteria are met: 0102 - Loss of function is a known mechanism of disease in this gene and is associated with arrhythmogenic right ventricular dysplasia 9 (ARVD9; MIM#609040). (I) 0107 - This gene is associated with autosomal dominant disease. (I) 0112 - The condition associated with this gene has incomplete penetrance (PMID: 17010805, 23183494). (I) 0115 - Variants in this gene are known to have variable expressivity (PMID: 17010805, 23183494). (I) 0200 - Variant is predicted to result in a missense amino acid change from glycine to serine. (I) 0251 - This variant is heterozygous. (I) 0302 - Variant is present in gnomAD (v2 & v3) <0.001 for a dominant condition (10 heterozygotes, 0 homozygotes). (SP) 0309 - An alternative amino acid change at the same position has been observed in gnomAD (v2 & v3) (50 heterozygotes, 0 homozygotes). (I) 0503 - Missense variant consistently predicted to be tolerated by multiple in silico tools or not conserved in placental mammals with a minor amino acid change. (SB) 0604 - Variant is not located in an established domain, motif, hotspot or informative constraint region. (I) 0708 - Another missense variant comparable to the one identified in this case has conflicting previous evidence for pathogenicity. p.(Gly322Cys) has been regarded as both likely benign and VUS in ClinVar. In addition, it was found that carriers had a lower average left ventricular mass than noncarriers (PMID: 29288195) and it was detected in an individual with HCM and classified as a VUS (PMID: 30847666). (I) 0809 - Previous evidence of pathogenicity for this variant is inconclusive. It has been reported as VUS in ClinVar. (I) 0905 - No published segregation evidence has been identified for this variant. (I) 1007 - No published functional evidence has been identified for this variant. (I) 1208 - Inheritance information for this variant is not currently available in this individual. (I) Legend: (SP) - Supporting pathogenic, (I) - Information, (SB) - Supporting benign

Labcorp Genetics (formerly Invitae), Labcorp
Classification: Uncertain significance for Arrhythmogenic right ventricular dysplasia 9. Last evaluated: 2022-02-20. Review status: criteria provided, single submitter. Criteria: Invitae Variant Classification Sherloc (09022015). Collection method: clinical testing. Allele origin: germline.
Comment: This sequence change replaces glycine, which is neutral and non-polar, with serine, which is neutral and polar, at codon 322 of the PKP2 protein (p.Gly322Ser). This variant is present in population databases (rs200069860, gnomAD 0.03%). This variant has not been reported in the literature in individuals affected with PKP2-related conditions. ClinVar contains an entry for this variant (Variation ID: 432440). Algorithms developed to predict the effect of missense changes on protein structure and function are either unavailable or do not agree on the potential impact of this missense change (SIFT: "Deleterious"; PolyPhen-2: "Benign"; Align-GVGD: "Class C55"). In summary, the available evidence is currently insufficient to determine the role of this variant in disease. Therefore, it has been classified as a Variant of Uncertain Significance.

GeneDx
Classification: Uncertain significance. Last evaluated: 2019-05-17. Review status: criteria provided, single submitter. Criteria: GeneDx Variant Classification Process June 2021. Collection method: clinical testing. Allele origin: germline. Affected: yes.
Comment: Has not been previously published as pathogenic or benign to our knowledge; In silico analysis, which includes protein predictors and evolutionary conservation, supports that this variant does not alter protein structure/function

Department of Pathology and Laboratory Medicine, Sinai Health System
Classification: Uncertain significance. Review status: no assertion criteria provided. Collection method: clinical testing. Allele origin: unknown. Affected: yes. Study: The Canadian Open Genetics Repository (COGR). Not counted in ClinVar's aggregate classification.
Comment: The PKP2 p.Gly322Ser variant was not identified in the literature but was identified in dbSNP (ID: rs200069860) and ClinVar (classified as uncertain significance by GeneDx). The variant was identified in control databases in 9 of 281928 chromosomes at a frequency of 0.00003192 (Genome Aggregation Database March 6, 2019, v2.1.1). The variant was observed in the following populations: East Asian in 7 of 19946 chromosomes (freq: 0.000351), Latino in 1 of 35426 chromosomes (freq: 0.000028) and European (non-Finnish) in 1 of 128342 chromosomes (freq: 0.000008), but was not observed in the African, Ashkenazi Jewish, European (Finnish), Other, or South Asian populations. The p.Gly322 residue is not conserved in mammals and computational analyses (PolyPhen-2, SIFT, AlignGVGD, BLOSUM, MutationTaster) provide inconsistent predictions regarding the impact to the protein; this information is not very predictive of pathogenicity. The variant occurs outside of the splicing consensus sequence and 1 of 4 in silico or computational prediction software programs (SpliceSiteFinder, MaxEntScan, NNSPLICE, GeneSplicer) predict a greater than 10% difference in splicing; this is not very predictive of pathogenicity. In summary, based on the above information the clinical significance of this variant cannot be determined with certainty at this time. This variant is classified as a variant of uncertain significance.

Literature cited by the submitters: PubMed 17010805 (cited by Victorian Clinical Genetics Services, Murdoch Childrens Research Institute); PubMed 23183494 (cited by Victorian Clinical Genetics Services, Murdoch Childrens Research Institute); PubMed 29288195 (cited by Victorian Clinical Genetics Services, Murdoch Childrens Research Institute); PubMed 30847666 (cited by Victorian Clinical Genetics Services, Murdoch Childrens Research Institute).

NM_001005242.3(PKP2):c.964G>A (p.Gly322Ser)

Gene: PKP2 (plakophilin 2; minus strand). Cytogenetic location: 12p11.21.
Variant type: single nucleotide variant.
Coding change: c.964G>A on transcript NM_001005242.3 (MANE Select); coding-DNA position 964, G replaced by A.
Protein change: p.Gly322Ser; replaces glycine 322 with serine.
Molecular consequence: missense variant.
Genome position (GRCh38, 1-based): chr12:32,877,916, C>T on the plus strand (G>A on the coding strand, the complement: PKP2 is on the minus strand). VCF-style: chr12-32877916-C-T. GRCh37 (hg19) VCF-style: chr12-33030850-C-T.
Other names: c.964G>A, p.Gly322Ser (NM_004572.4); short protein forms G322S.
Identifiers: ClinVar variation 432440 (VCV000432440.15), dbSNP rs200069860, ClinGen allele CA039624.